The following is an entry in ClinVar:

NM_015340.4(LARS2):c.235-2A>G

Gene: LARS2 (leucyl-tRNA synthetase 2, mitochondrial; plus strand). Cytogenetic location: 3p21.31.
Variant type: single nucleotide variant.
Coding change: c.235-2A>G on transcript NM_015340.4 (MANE Select); the canonical splice acceptor site of the intron before coding-DNA position 235, A replaced by G.
Molecular consequence: splice acceptor variant.
Genome position (GRCh38, 1-based): chr3:45,400,243, A>G. VCF-style: chr3-45400243-A-G. GRCh37 (hg19) VCF-style: chr3-45441735-A-G.
Other names: c.235-2A>G (NM_001368263.1).
Identifiers: ClinVar variation 3601189 (VCV003601189.2).

ClinVar aggregate classification (germline): Likely pathogenic. Review status: criteria provided, multiple submitters, no conflicts (2 of 4 stars). 2 submissions from 2 submitters: Likely pathogenic (2). Last evaluated 2025-01-09.

Conditions:
Perrault syndrome 4 (PRLTS4). Identifiers: Orphanet 2855, MedGen C3809105, MONDO:0014126, OMIM 615300.

gnomAD v4.1: 22 of 1,612,514 alleles (0.0014%); highest among the groups gnomAD compares: East Asian, 0.027%; no homozygotes.

Submissions (2):

Institute of Rare Diseases, West China Hospital, Sichuan University
Classification: Likely pathogenic for Perrault syndrome 4. Last evaluated: 2025-01-09. Review status: criteria provided, single submitter. Criteria: ClinGen HL ACMG Specifications v1. Collection method: research. Allele origin: germline. Affected: yes.
Comment: PVS1;PM2_Supporting

3billion
Classification: Likely pathogenic for Perrault syndrome 4. Last evaluated: 2024-02-15. Review status: criteria provided, single submitter. Criteria: ACMG Guidelines, 2015. Collection method: clinical testing. Allele origin: germline. Affected: yes.
Comment: The variant is observed at an extremely low frequency in the gnomAD v2.1.1 dataset (total allele frequency: 0.001%). Predicted Consequence/Location: Canonical splice site: predicted to alter splicing and result in a loss or disruption of normal protein function. Multiple pathogenic loss-of-function variants are reported downstream of the variant. Therefore, this variant is classified as Likely pathogenic according to the recommendation of ACMG/AMP guideline.